The following is an entry in ClinVar:

NM_017827.4(SARS2):c.373_377delinsTACC (p.Asp125fs)

Gene: SARS2 (seryl-tRNA synthetase 2, mitochondrial; minus strand). Cytogenetic location: 19q13.2.
Variant type: Indel.
Coding change: c.373_377delinsTACC on transcript NM_017827.4 (MANE Select); coding-DNA positions 373 to 377, GACAG replaced by TACC.
Protein change: p.Asp125fs; shifts the reading frame from aspartic acid 125.
Molecular consequence: frameshift variant.
Genome position (GRCh38, 1-based): chr19:38,922,254-38,922,258, CTGTC replaced by GGTA on the plus strand (GACAG replaced by TACC on the coding strand, the reverse complement: SARS2 is on the minus strand). VCF-style: chr19-38922254-CTGTC-GGTA. GRCh37 (hg19) VCF-style: chr19-39412894-CTGTC-GGTA.
Other names: c.373_377delinsTACC, p.Asp125fs (NM_001145901.2); short protein forms D125fs.
Identifiers: ClinVar variation 2079671 (VCV002079671.4), dbSNP rs2513533164, ClinGen allele CA2580097210.

ClinVar aggregate classification (germline): Uncertain significance (1 of 4 stars; one submission).

Submission:

Labcorp Genetics (formerly Invitae), Labcorp
Classification: Uncertain significance. Last evaluated: 2022-01-27. Review status: criteria provided, single submitter. Criteria: Invitae Variant Classification Sherloc (09022015). Collection method: clinical testing. Allele origin: germline.
Comment: In summary, the available evidence is currently insufficient to determine the role of this variant in disease. Therefore, it has been classified as a Variant of Uncertain Significance. This variant has not been reported in the literature in individuals affected with SARS2-related conditions. This variant is not present in population databases (gnomAD no frequency). This sequence change creates a premature translational stop signal (p.Asp125Tyrfs*44) in the SARS2 gene. It is expected to result in an absent or disrupted protein product. However, the current clinical and genetic evidence is not sufficient to establish whether loss-of-function variants in SARS2 cause disease.